The following is an entry in ClinVar:

NM_080680.3(COL11A2):c.4196del (p.Gly1399fs)

Gene: COL11A2 (collagen type XI alpha 2 chain; minus strand). Cytogenetic location: 6p21.32.
Variant type: Deletion.
Coding change: c.4196del on transcript NM_080680.3 (MANE Select); coding-DNA position 4196, one base deleted (G; older notation c.4196delG).
Protein change: p.Gly1399fs; shifts the reading frame from glycine 1399.
Molecular consequence: frameshift variant.
Genome position (GRCh38, 1-based): chr6:33,167,104, C deleted on the plus strand (G on the coding strand, the reverse complement: COL11A2 is on the minus strand); the first of 2 consecutive C bases (chr6:33,167,104-33,167,105); deleting either gives the same sequence. VCF-style (leftmost placement, unchanged base first): chr6-33167103-AC-A. GRCh37 (hg19) VCF-style: chr6-33134880-AC-A.
Other names: c.4016del, p.Gly1339fs (NM_001424108.1); c.3350del, p.Gly1117fs (NM_001424109.1); c.3170del, p.Gly1057fs (NM_001424110.1, NM_001424111.1); c.2150del, p.Gly717fs (NM_001424112.1); c.3875del, p.Gly1292fs (NM_080679.3); c.3938del, p.Gly1313fs (NM_080681.3); short protein forms G717fs, G1057fs, G1292fs, G1117fs, G1313fs, G1339fs, G1399fs.
Identifiers: ClinVar variation 3725000 (VCV003725000.2).

ClinVar aggregate classification (germline): Pathogenic (1 of 4 stars; one submission).

Submission:

Labcorp Genetics (formerly Invitae), Labcorp
Classification: Pathogenic. Last evaluated: 2024-11-11. Review status: criteria provided, single submitter. Criteria: Invitae Variant Classification Sherloc (09022015). Collection method: clinical testing. Allele origin: germline.
Comment: This sequence change creates a premature translational stop signal (p.Gly1399Valfs*20) in the COL11A2 gene. It is expected to result in an absent or disrupted protein product. Loss-of-function variants in COL11A2 are known to be pathogenic (PMID: 10677296, 21204229). This variant is not present in population databases (gnomAD no frequency). This variant has not been reported in the literature in individuals affected with COL11A2-related conditions. For these reasons, this variant has been classified as Pathogenic.

Literature cited by the submitters: PubMed 10677296; PubMed 21204229.